The following is an entry in ClinVar:

NM_182746.3(MCM4):c.2396A>C (p.Glu799Ala)

Gene: MCM4 (minichromosome maintenance complex component 4; plus strand). Cytogenetic location: 8q11.21.
Variant type: single nucleotide variant.
Coding change: c.2396A>C on transcript NM_182746.3 (MANE Select); coding-DNA position 2396, A replaced by C.
Protein change: p.Glu799Ala; replaces glutamic acid 799 with alanine.
Molecular consequence: missense variant.
Genome position (GRCh38, 1-based): chr8:47,975,745, A>C. VCF-style: chr8-47975745-A-C. GRCh37 (hg19) VCF-style: chr8-48888305-A-C.
Other names: c.2396A>C, p.Glu799Ala (NM_005914.4); short protein forms E799A.
Identifiers: ClinVar variation 3673891 (VCV003673891.1).

ClinVar aggregate classification (germline): Uncertain significance (1 of 4 stars; one submission).

gnomAD v4.1: 4 of 1,578,702 alleles (0.00025%); highest among the groups gnomAD compares: African/African-American, 0.0014%; no homozygotes.

Submission:

Labcorp Genetics (formerly Invitae), Labcorp
Classification: Uncertain significance. Last evaluated: 2024-09-16. Review status: criteria provided, single submitter. Criteria: Invitae Variant Classification Sherloc (09022015). Collection method: clinical testing. Allele origin: germline.
Comment: This sequence change replaces glutamic acid, which is acidic and polar, with alanine, which is neutral and non-polar, at codon 799 of the MCM4 protein (p.Glu799Ala). This variant is present in population databases (rs775004562, gnomAD 0.007%). This variant has not been reported in the literature in individuals affected with MCM4-related conditions. Invitae Evidence Modeling of protein sequence and biophysical properties (such as structural, functional, and spatial information, amino acid conservation, physicochemical variation, residue mobility, and thermodynamic stability) indicates that this missense variant is not expected to disrupt MCM4 protein function with a negative predictive value of 80%. In summary, the available evidence is currently insufficient to determine the role of this variant in disease. Therefore, it has been classified as a Variant of Uncertain Significance.